The following is an entry in ClinVar:

ClinVar aggregate classification (germline): Pathogenic. Review status: criteria provided, multiple submitters, no conflicts (2 of 4 stars). 4 submissions from 4 submitters: Pathogenic (4). Last evaluated 2025-06-25.

Conditions:
Hereditary cancer-predisposing syndrome. Also called: Neoplastic Syndromes, Hereditary; Tumor predisposition; Hereditary Cancer Syndrome; Hereditary neoplastic syndrome. Identifiers: Orphanet 140162, MedGen C0027672, MeSH D009386, MONDO:0015356.
Familial adenomatous polyposis 1 (FAP1). Also called: FAMILIAL ADENOMATOUS POLYPOSIS 1, ATTENUATED; POLYPOSIS, ADENOMATOUS INTESTINAL. Identifiers: MedGen C2713442, MONDO:0021056, OMIM 175100. Disease mechanism: loss of function.

Allele frequency attached by ClinVar (database versions not stated): gnomAD exomes below 0.00001.

Submissions (4):

GeneKor MSA
Classification: Pathogenic for Hereditary cancer-predisposing syndrome. Last evaluated: 2025-06-25. Review status: criteria provided, single submitter. Criteria: ACMG Guidelines, 2015. Collection method: clinical testing. Allele origin: germline.
Comment: This sequence change occurs one base after exon 15 of the APC gene c.(1958+1G>T ). RNA analysis indicates that disruption of this splice site induces altered splicing and likely disrupts the C-terminus of the APC protein. Variants that disrupt the consensus splice site are a relatively common cause of aberrant splicing (PMID:17576681, 9536098). This variant is also registered as IVS14+1G>A and it is not present in population databases (rs1114167569). Disruption of this splice site has been observed in individuals with familial adenomatous polyposis (PMID:12007223, 15459959, 16088911, 20223039, 20685668). ClinVar contains entries for this variant where it is listed as pathogenic (VCV000428125.23). Studies have shown that disruption of this splice site results in skipping of exon 15 and introduces a new termination codon (PMID:15459959). Based on the classification criteria set by the ACMG and AMP (PMID:25741868) this variant has been classified as pathogenic.

Labcorp Genetics (formerly Invitae), Labcorp
Classification: Pathogenic for Familial adenomatous polyposis 1. Last evaluated: 2025-05-07. Review status: criteria provided, single submitter. Criteria: Invitae Variant Classification Sherloc (09022015). Collection method: clinical testing. Allele origin: germline.
Comment: This sequence change affects a donor splice site in intron 15 of the APC gene. RNA analysis indicates that disruption of this splice site induces altered splicing and likely disrupts the C-terminus of the protein. This variant is not present in population databases (gnomAD no frequency). Disruption of this splice site has been observed in individual(s) with APC-related conditions (PMID: 9950360, 15459959, 20685668, 31069152). This variant is also known as 112170863G>T. ClinVar contains an entry for this variant (Variation ID: 1783340). Variants that disrupt the consensus splice site are a relatively common cause of aberrant splicing (PMID: 17576681, 9536098). Studies have shown that disruption of this splice site results in skipping of exon 15 (also known as exon 14) and introduces a new termination codon (PMID: 15459959). However the mRNA is not expected to undergo nonsense-mediated decay. This variant is expected to disrupt the EB1 and HDLG binding sites, which mediate interactions with the cytoskeleton (PMID: 15311282, 17293347). While functional studies have not been performed to directly test the effect on APC protein function, this suggests that disruption of the C-terminal portion of the protein is functionally important. This variant disrupts a region of the APC protein in which other variant(s) (p.Tyr2645Lysfs*14) have been determined to be pathogenic (PMID: 1316610, 8381579, 9824584, 22135120, 27081525; internal data). This suggests that this is a clinically significant region of the protein, and that variants that disrupt it are likely to be disease-causing. For these reasons, this variant has been classified as Pathogenic.

Myriad Genetics, Inc.
Classification: Pathogenic for Familial adenomatous polyposis 1. Last evaluated: 2023-05-03. Review status: criteria provided, single submitter. Criteria: Myriad Autosomal Dominant, Autosomal Recessive and X-Linked Classification Criteria (2023). Collection method: clinical testing. Allele origin: unknown.
Comment: This variant is considered pathogenic. This variant occurs within a consensus splice junction and is predicted to result in abnormal mRNA splicing of either an out-of-frame exon or an in-frame exon necessary for protein stability and/or normal function. mRNA analysis has demonstrated abnormal mRNA splicing occurs [PMID: 15459959].

Ambry Genetics
Classification: Pathogenic for Hereditary cancer-predisposing syndrome. Last evaluated: 2022-05-12. Review status: criteria provided, single submitter. Criteria: Ambry Variant Classification Scheme 2023. Collection method: clinical testing. Allele origin: germline.
Comment: The c.1958+1G>T intronic pathogenic mutation results from a G to T substitution one nucleotide after coding exon 14 of the APC gene. This alteration has been observed in at least one individual with a personal and/or family history that is consistent with APC-related disease (Ambry internal data; Aretz s. et al. Hum Mutat 2004 Nov;24(5):370-80; Friedl W et al. Gut 2001 Apr;48(4):515-21). RNA studies have demonstrated that this alteration results in abnormal splicing in the set of samples tested (Ambry internal data; Aretz s. et al. Hum Mutat 2004 Nov;24(5):370-80). This nucleotide position is highly conserved in available vertebrate species. In silico splice site analysis predicts that this alteration will weaken the native splice donor site. This variant is considered to be rare based on population cohorts in the Genome Aggregation Database (gnomAD). Alterations that disrupt the canonical splice site are expected to cause aberrant splicing, resulting in an abnormal protein or a transcript that is subject to nonsense-mediated mRNA decay. Based on the supporting evidence, this alteration is interpreted as a disease-causing mutation.

Literature cited by the submitters: PubMed 17576681 (cited by GeneKor MSA and Labcorp Genetics (formerly Invitae), Labcorp); PubMed 9536098 (cited by GeneKor MSA and Labcorp Genetics (formerly Invitae), Labcorp); PubMed 12007223 (cited by GeneKor MSA); PubMed 15459959 (cited by 4 submitters); PubMed 16088911 (cited by GeneKor MSA); PubMed 20223039 (cited by GeneKor MSA); PubMed 20685668 (cited by GeneKor MSA and Labcorp Genetics (formerly Invitae), Labcorp); PubMed 9950360 (cited by Labcorp Genetics (formerly Invitae), Labcorp); PubMed 31069152 (cited by Labcorp Genetics (formerly Invitae), Labcorp); PubMed 15311282 (cited by Labcorp Genetics (formerly Invitae), Labcorp); PubMed 17293347 (cited by Labcorp Genetics (formerly Invitae), Labcorp); PubMed 1316610 (cited by Labcorp Genetics (formerly Invitae), Labcorp); PubMed 8381579 (cited by Labcorp Genetics (formerly Invitae), Labcorp); PubMed 9824584 (cited by Labcorp Genetics (formerly Invitae), Labcorp); PubMed 22135120 (cited by Labcorp Genetics (formerly Invitae), Labcorp); PubMed 27081525 (cited by Labcorp Genetics (formerly Invitae), Labcorp); PubMed 11247896 (cited by Ambry Genetics).

NM_000038.6(APC):c.1958+1G>T

Gene: APC (APC regulator of Wnt signaling pathway; plus strand). Cytogenetic location: 5q22.2.
Variant type: single nucleotide variant.
Coding change: c.1958+1G>T on transcript NM_000038.6 (MANE Select); the canonical splice donor site of the intron after coding-DNA position 1958, G replaced by T.
Molecular consequence: splice donor variant.
Genome position (GRCh38, 1-based): chr5:112,835,166, G>T. VCF-style: chr5-112835166-G-T. GRCh37 (hg19) VCF-style: chr5-112170863-G-T.
Other names: c.1109+1G>T (NM_001407470.1, NM_001354906.2); c.806+1G>T (NM_001407472.1, NM_001407471.1); c.2012+1G>T (NM_001407447.1, NM_001407448.1, NM_001407449.1 and 1 more transcripts); c.1958+1G>T (NM_001354895.2, NM_001407450.1, NM_001127510.3); c.1709+1G>T (NM_001407456.1, NM_001407457.1, NM_001407455.1 and 1 more transcripts); c.1655+1G>T (NM_001407460.1, NM_001407458.1, NM_001407459.1 and 1 more transcripts); c.1928+1G>T (NM_001407452.1); c.1571+1G>T (NM_001407469.1, NM_001407467.1); and 11 more.
Identifiers: ClinVar variation 1783340 (VCV001783340.9), dbSNP rs1114167569, ClinGen allele CA360623923.